The following is an entry in ClinVar:

NM_001173467.3(SP7):c.-33C>G

Gene: SP7 (Sp7 transcription factor; minus strand). Cytogenetic location: 12q13.13.
Variant type: single nucleotide variant.
Coding change: c.-33C>G on transcript NM_001173467.3 (MANE Select); 33 bases upstream of the start codon, C replaced by G.
Molecular consequence: 5 prime UTR variant. On other transcripts: intron variant (1).
Genome position (GRCh38, 1-based): chr12:53,335,679, G>C on the plus strand (C>G on the coding strand, the complement: SP7 is on the minus strand). VCF-style: chr12-53335679-G-C. GRCh37 (hg19) VCF-style: chr12-53729463-G-C.
Other names: c.-33C>G (NM_152860.2); c.-34+467C>G (NM_001300837.2).
Identifiers: ClinVar variation 451708 (VCV000451708.2), dbSNP rs1555193510, ClinGen allele CA658658157.

ClinVar aggregate classification (germline): Uncertain significance (1 of 4 stars; one submission).

Allele frequency attached by ClinVar (database versions not stated): TOPMed below 0.00001.

Submission:

GeneDx
Classification: Uncertain significance. Last evaluated: 2017-08-31. Review status: criteria provided, single submitter. Criteria: GeneDx Variant Classification (06012015). Collection method: clinical testing. Allele origin: germline. Affected: yes.
Comment: The c.-33 C>G variant has not been published as a pathogenic variant, nor has it been reported as a benign variant to our knowledge. The c.-33 C>G variant is not observed at a significant frequency in large population cohorts (Lek et al., 2016; 1000 Genomes Consortium et al., 2015; Exome Variant Server). Several in-silico splice prediction models are uninformative in their predictions about whether c.-33 C>G affects the natural splice acceptor site of intron 1. In the absence of RNA/functional studies, the actual effect of this sequence change in this individual is unknown. Therefore, based on the currently available information, it is unclear whether this variant is a pathogenic variant or a rare benign variant.